The following is an entry in ClinVar:

NM_003242.6(TGFBR2):c.1123A>G (p.Ile375Val)

Gene: TGFBR2 (transforming growth factor beta receptor 2; plus strand). Cytogenetic location: 3p24.1.
Variant type: single nucleotide variant.
Coding change: c.1123A>G on transcript NM_003242.6 (MANE Select); coding-DNA position 1123, A replaced by G.
Protein change: p.Ile375Val; replaces isoleucine 375 with valine.
Molecular consequence: missense variant. On other transcripts: intron variant (1).
Genome position (GRCh38, 1-based): chr3:30,672,306, A>G. VCF-style: chr3-30672306-A-G. GRCh37 (hg19) VCF-style: chr3-30713798-A-G.
Other names: c.1198A>G, p.Ile400Val (NM_001024847.3); c.1306A>G, p.Ile436Val (NM_001407126.1); c.1231A>G, p.Ile411Val (NM_001407127.1); c.1150A>G, p.Ile384Val (NM_001407128.1); c.1126A>G, p.Ile376Val (NM_001407129.1); c.1123A>G, p.Ile375Val (NM_001407130.1); c.1018A>G, p.Ile340Val (NM_001407132.1, NM_001407133.1, NM_001407134.1 and 2 more transcripts); c.838A>G, p.Ile280Val (NM_001407137.1); and 3 more; short protein forms I255V, I400V, I280V, I340V, I384V, I411V, I375V, I376V.
Identifiers: ClinVar variation 2776757 (VCV002776757.4), dbSNP rs927452109, ClinGen allele CA71528768.

ClinVar aggregate classification (germline): Uncertain significance. Review status: criteria provided, multiple submitters, no conflicts (2 of 4 stars). 2 submissions from 2 submitters: Uncertain significance (2). Last evaluated 2025-06-22.

Conditions:
Familial thoracic aortic aneurysm and aortic dissection (TAAD). Also called: Thoracic aortic aneurysms and dissections. Identifiers: Orphanet 91387, MedGen C4707243, MONDO:0019625.

Allele frequency attached by ClinVar (database versions not stated): gnomAD exomes below 0.00001; TOPMed 0.00001.
gnomAD v4.1: 1 of 1,609,472 alleles (0.000062%); highest among the groups gnomAD compares: Admixed American, 0.0017%; no homozygotes.

Submissions (2):

Ambry Genetics
Classification: Uncertain significance for Familial thoracic aortic aneurysm and aortic dissection. Last evaluated: 2025-06-22. Review status: criteria provided, single submitter. Criteria: Ambry Variant Classification Scheme 2023. Collection method: clinical testing. Allele origin: germline.
Comment: The p.I375V variant (also known as c.1123A>G), located in coding exon 4 of the TGFBR2 gene, results from an A to G substitution at nucleotide position 1123. The isoleucine at codon 375 is replaced by valine, an amino acid with highly similar properties. This amino acid position is conserved. In addition, this alteration is predicted to be tolerated by in silico analysis. Based on the available evidence, the clinical significance of this variant remains unclear.

Labcorp Genetics (formerly Invitae), Labcorp
Classification: Uncertain significance for Familial thoracic aortic aneurysm and aortic dissection. Last evaluated: 2024-11-03. Review status: criteria provided, single submitter. Criteria: Invitae Variant Classification Sherloc (09022015). Collection method: clinical testing. Allele origin: germline.
Comment: This sequence change replaces isoleucine, which is neutral and non-polar, with valine, which is neutral and non-polar, at codon 375 of the TGFBR2 protein (p.Ile375Val). This variant is present in population databases (no rsID available, gnomAD 0.003%). This variant has not been reported in the literature in individuals affected with TGFBR2-related conditions. ClinVar contains an entry for this variant (Variation ID: 2776757). Invitae Evidence Modeling of protein sequence and biophysical properties (such as structural, functional, and spatial information, amino acid conservation, physicochemical variation, residue mobility, and thermodynamic stability) indicates that this missense variant is not expected to disrupt TGFBR2 protein function with a negative predictive value of 95%. In summary, the available evidence is currently insufficient to determine the role of this variant in disease. Therefore, it has been classified as a Variant of Uncertain Significance.